The following is an entry in ClinVar:

ClinVar aggregate classification (germline): Likely benign (0 of 4 stars; one submission).

Conditions:
PLXNA4-related disorder. Also called: PLXNA4-related condition.

gnomAD v4.1: 3 of 1,614,214 alleles (0.00019%); highest among the groups gnomAD compares: Non-Finnish European, 0.00025%; no homozygotes.

Submission:

PreventionGenetics, part of Exact Sciences
Classification: Likely benign for PLXNA4-related condition. Last evaluated: 2022-01-17. Review status: no assertion criteria provided. Collection method: clinical testing. Allele origin: germline.
Comment: This variant is classified as likely benign based on ACMG/AMP sequence variant interpretation guidelines (Richards et al. 2015 PMID: 25741868, with internal and published modifications).

NM_020911.2(PLXNA4):c.591C>A (p.Pro197=)

Gene: PLXNA4 (plexin A4; minus strand). Cytogenetic location: 7q32.3.
Variant type: single nucleotide variant.
Coding change: c.591C>A on transcript NM_020911.2 (MANE Select); coding-DNA position 591, C replaced by A.
Protein change: p.Pro197=; no amino-acid change (proline 197 retained).
Molecular consequence: synonymous variant.
Genome position (GRCh38, 1-based): chr7:132,508,103, G>T on the plus strand (C>A on the coding strand, the complement: PLXNA4 is on the minus strand). VCF-style: chr7-132508103-G-T. GRCh37 (hg19) VCF-style: chr7-132192862-G-T.
Other names: c.591C>A, p.Pro197= (NM_001105543.2, NM_001393897.1, NM_181775.4).
Identifiers: ClinVar variation 3357583 (VCV003357583.1).